The following is an entry in ClinVar:

ClinVar aggregate classification (germline): Pathogenic (1 of 4 stars; one submission).

Conditions:
Deficiency of alpha-mannosidase (MANSA). Also called: Alpha-Mannosidosis; Mannosidosis, alpha-, types I and II; LYSOSOMAL ALPHA-D-MANNOSIDASE DEFICIENCY. Identifiers: Orphanet 61, MedGen C0024748, MONDO:0009561, OMIM 248500.

Submission:

Labcorp Genetics (formerly Invitae), Labcorp
Classification: Pathogenic for Deficiency of alpha-mannosidase. Last evaluated: 2025-06-01. Review status: criteria provided, single submitter. Criteria: Invitae Variant Classification Sherloc (09022015). Collection method: clinical testing. Allele origin: germline.
Comment: This sequence change creates a premature translational stop signal (p.Leu843Argfs*81) in the MAN2B1 gene. It is expected to result in an absent or disrupted protein product. Loss-of-function variants in MAN2B1 are known to be pathogenic (PMID: 9915946, 22161967). This variant is present in population databases (no rsID available, gnomAD 0.01%). This variant has not been reported in the literature in individuals affected with MAN2B1-related conditions. For these reasons, this variant has been classified as Pathogenic.

Literature cited by the submitters: PubMed 9915946; PubMed 22161967.

NM_000528.4(MAN2B1):c.2528del (p.Leu843fs)

Gene: MAN2B1 (mannosidase alpha class 2B member 1; minus strand). Cytogenetic location: 19p13.13.
Variant type: Deletion.
Coding change: c.2528del on transcript NM_000528.4 (MANE Select); coding-DNA position 2528, one base deleted (T; older notation c.2528delT).
Protein change: p.Leu843fs; shifts the reading frame from leucine 843.
Molecular consequence: frameshift variant.
Genome position (GRCh38, 1-based): chr19:12,648,311, A deleted on the plus strand (T on the coding strand, the reverse complement: MAN2B1 is on the minus strand). VCF-style (leftmost placement, unchanged base first): chr19-12648310-CA-C. GRCh37 (hg19) VCF-style: chr19-12759124-CA-C.
Other names: c.2525del, p.Leu842fs (NM_001173498.2); c.2531del, p.Leu844fs (NM_001440570.1); short protein forms L842fs, L843fs, L844fs.
Identifiers: ClinVar variation 4811451 (VCV004811451.1).
Genomic context (GRCh38, chr19:12,648,310, plus strand): 5'-CTCCTGCTCCGCCAGGAGCCGGTGTCCGGCGGCTGCAGCCTGGGCTGTGTCCAGCAGCAC[CA>C]GGTGGCGCCCTCGCACCCACGCCCCCGACCCGTTCTCCATTAGTGGCTCCGATACTCCGC-3'